The following is an entry in ClinVar:

ClinVar aggregate classification (germline): Likely benign (1 of 4 stars; one submission).

gnomAD v4.1: 11 of 1,614,184 alleles (0.00068%); highest among the groups gnomAD compares: South Asian, 0.0011%; no homozygotes.

Submission:

CeGaT Center for Human Genetics Tuebingen
Classification: Likely benign. Last evaluated: 2026-03-01. Review status: criteria provided, single submitter. Criteria: CeGaT Center For Human Genetics Tuebingen Variant Classification Criteria Version 2. Collection method: clinical testing. Allele origin: germline. Affected: yes. Observed: 1 variant allele.
Comment: SALL4: BP4, BP7

NM_020436.5(SALL4):c.1503C>T (p.Gly501=)

Gene: SALL4 (spalt like transcription factor 4; minus strand). Cytogenetic location: 20q13.2.
Variant type: single nucleotide variant.
Coding change: c.1503C>T on transcript NM_020436.5 (MANE Select); coding-DNA position 1503, C replaced by T.
Protein change: p.Gly501=; no amino-acid change (glycine 501 retained).
Molecular consequence: synonymous variant. On other transcripts: intron variant (1).
Genome position (GRCh38, 1-based): chr20:51,790,980, G>A on the plus strand (C>T on the coding strand, the complement: SALL4 is on the minus strand). VCF-style: chr20-51790980-G-A. GRCh37 (hg19) VCF-style: chr20-50407519-G-A.
Other names: c.1150+353C>T (NM_001318031.2).
Identifiers: ClinVar variation 4822648 (VCV004822648.4).